The following is an entry in ClinVar:

ClinVar aggregate classification (germline): Likely pathogenic (1 of 4 stars; one submission).

Conditions:
MCM3AP-related disorder. Also called: MCM3AP-related condition.

gnomAD v4.1: 3 of 1,609,990 alleles (0.00019%); highest among the groups gnomAD compares: Non-Finnish European, 0.00025%; no homozygotes.

Submission:

PreventionGenetics, part of Exact Sciences
Classification: Likely pathogenic for MCM3AP-related condition. Last evaluated: 2025-12-09. Review status: criteria provided, single submitter. Criteria: ACMG Guidelines, 2015. Collection method: clinical testing. Allele origin: germline.
Comment: The MCM3AP c.1667+1G>A variant is predicted to disrupt the GT donor site and interfere with normal splicing. To our knowledge, this variant has not been reported in the literature or in a large population database (gnomAD), indicating this variant is rare. Variants that disrupt the consensus splice donor site in MCM3AP are expected to be pathogenic. This variant is interpreted as likely pathogenic.

NM_003906.5(MCM3AP):c.1667+1G>A

Gene: MCM3AP (minichromosome maintenance complex component 3 associated protein; minus strand). Cytogenetic location: 21q22.3.
Variant type: single nucleotide variant.
Coding change: c.1667+1G>A on transcript NM_003906.5 (MANE Select); the canonical splice donor site of the intron after coding-DNA position 1667, G replaced by A.
Molecular consequence: splice donor variant.
Genome position (GRCh38, 1-based): chr21:46,279,992, C>T on the plus strand (G>A on the coding strand, the complement: MCM3AP is on the minus strand). VCF-style: chr21-46279992-C-T. GRCh37 (hg19) VCF-style: chr21-47699906-C-T.
Identifiers: ClinVar variation 4993462 (VCV004993462.1).
Genomic context (GRCh38, chr21:46,279,992, plus strand): 5'-GCTATAGGGCGCTATTTCCTGGTCCTTCCGGAATAAGGTCATTAGGAGGGACCGATCCCA[C>T]CTTTTATTCAGGAGGCTGCTAGCACCAGTCCTCCCTGCGGCCTTGCCAAGAGGAGAGTGC-3'